The following is an entry in ClinVar:

NM_005475.3(SH2B3):c.622G>A (p.Glu208Lys)

Gene: SH2B3 (SH2B adaptor protein 3; plus strand). Cytogenetic location: 12q24.12.
Variant type: single nucleotide variant.
Coding change: c.622G>A on transcript NM_005475.3 (MANE Select); coding-DNA position 622, G replaced by A.
Protein change: p.Glu208Lys; replaces glutamic acid 208 with lysine.
Molecular consequence: missense variant.
Genome position (GRCh38, 1-based): chr12:111,418,767, G>A. VCF-style: chr12-111418767-G-A. GRCh37 (hg19) VCF-style: chr12-111856571-G-A.
Other names: short protein forms E208K.
Identifiers: ClinVar variation 4989323 (VCV004989323.1).

ClinVar aggregate classification (germline): Uncertain significance (1 of 4 stars; one submission).

Conditions:
SH2B3-related disorder. Also called: SH2B3-related condition.

gnomAD v4.1: 4 of 1,478,582 alleles (0.00027%); highest among the groups gnomAD compares: Non-Finnish European, 0.00036%; no homozygotes.

Submission:

PreventionGenetics, part of Exact Sciences
Classification: Uncertain significance for SH2B3-related condition. Last evaluated: 2025-06-20. Review status: criteria provided, single submitter. Criteria: ACMG Guidelines, 2015. Collection method: clinical testing. Allele origin: germline.
Comment: The SH2B3 c.622G>A variant is predicted to result in the amino acid substitution p.Glu208Lys. To our knowledge, this variant has not been reported in the literature or in a large population database (gnomAD), indicating this variant is rare. An alternate missense change at this amino acid position, described as c.622G>C (p.Glu208Gln), has been reported in the heterozygous state in an individual with idiopathic erythrocytosis (Camps et al. 2016. PubMed ID: 27651169). At this time, the clinical significance of this variant is uncertain due to the absence of conclusive functional and genetic evidence.